The following is an entry in ClinVar:

ClinVar aggregate classification (germline): Uncertain significance (1 of 4 stars; one submission).

Submission:

GeneDx
Classification: Uncertain significance. Last evaluated: 2025-03-25. Review status: criteria provided, single submitter. Criteria: GeneDx Variant Classification Process June 2021. Collection method: clinical testing. Allele origin: germline. Affected: yes.
Comment: Not observed at significant frequency in large population cohorts (gnomAD); In silico analysis indicates that this missense variant does not alter protein structure/function; Has not been previously published as pathogenic or benign to our knowledge

NM_020732.3:c.1951A>G

Gene: ARID1B (AT-rich interaction domain 1B; plus strand).
Variant type: single nucleotide variant.
Other names: c.1951A>G (NM_020732.3).
Identifiers: ClinVar variation 4087857 (VCV004087857.1).